The following is an entry in ClinVar:

ClinVar aggregate classification (germline): Likely benign. Review status: criteria provided, multiple submitters, no conflicts (2 of 4 stars). 2 submissions from 2 submitters: Likely benign (2). Last evaluated 2026-06-21.

Conditions:
CACNA1F-related disorder. Also called: CACNA1F-related condition.

Allele frequency attached by ClinVar (database versions not stated): gnomAD 0.00003; TOPMed 0.00003; gnomAD exomes 0.00006.
gnomAD v4.1: 64 of 1,185,878 alleles (0.0054%); highest among the groups gnomAD compares: Non-Finnish European, 0.0073%; no homozygotes.

Submissions (2):

PreventionGenetics, part of Exact Sciences
Classification: Likely benign for CACNA1F-related condition. Last evaluated: 2026-06-21. Review status: criteria provided, single submitter. Criteria: ACMG Guidelines, 2015. Collection method: clinical testing. Allele origin: germline.
Comment: This variant is classified as likely benign based on ACMG/AMP sequence variant interpretation guidelines (Richards et al. 2015 PMID: 25741868, with internal and published modifications).

Labcorp Genetics (formerly Invitae), Labcorp
Classification: Likely benign. Last evaluated: 2022-02-04. Review status: criteria provided, single submitter. Criteria: Invitae Variant Classification Sherloc (09022015). Collection method: clinical testing. Allele origin: germline.

NM_001256789.3(CACNA1F):c.4590G>A (p.Gly1530=)

Genes: CACNA1F (calcium voltage-gated channel subunit alpha1 F; minus strand), LOC126863257 (BRD4-independent group 4 enhancer GRCh37_chrX:49065732-49066931; plus strand). Cytogenetic location: Xp11.23.
Variant type: single nucleotide variant.
Coding change: c.4590G>A on transcript NM_001256789.3 (MANE Select); coding-DNA position 4590, G replaced by A.
Protein change: p.Gly1530=; no amino-acid change (glycine 1530 retained).
Molecular consequence: synonymous variant.
Genome position (GRCh38, 1-based): chrX:49,210,041, C>T on the plus strand (G>A on the coding strand, the complement: CACNA1F is on the minus strand). VCF-style: chrX-49210041-C-T. GRCh37 (hg19) VCF-style: chrX-49066501-C-T.
Other names: c.4428G>A, p.Gly1476= (NM_001256790.3); c.4623G>A, p.Gly1541= (NM_005183.4); c.4623G>A (NM_005183.3).
Identifiers: ClinVar variation 2196022 (VCV002196022.5), dbSNP rs782253843, ClinGen allele CA329136927.